The following is an entry in ClinVar:

ClinVar aggregate classification (germline): Benign. Review status: criteria provided, multiple submitters, no conflicts (2 of 4 stars). 3 submissions from 3 submitters: Benign (3). Last evaluated 2026-09-01.

Allele frequency attached by ClinVar (database versions not stated): gnomAD 0.00920 and 0.00933; ESP Exome Variant Server 0.00940; TOPMed 0.00950; gnomAD exomes 0.00979 and 0.01280; ExAC 0.01003; 1000 Genomes Project 30x 0.00609; 1000 Genomes Project 0.00719.
gnomAD v4.1: 19,981 of 1,614,060 alleles (1.2%); highest among the groups gnomAD compares: Non-Finnish European, 1.5%; 161 homozygotes.

Submissions (3):

CeGaT Center for Human Genetics Tuebingen
Classification: Benign. Last evaluated: 2026-09-01. Review status: criteria provided, single submitter. Criteria: CeGaT Center For Human Genetics Tuebingen Variant Classification Criteria Version 2. Collection method: clinical testing. Allele origin: germline. Affected: yes. Observed: 38 variant alleles.
Comment: SIN3A: BP4, BP7, BS1, BS2

Labcorp Genetics (formerly Invitae), Labcorp
Classification: Benign. Last evaluated: 2026-02-01. Review status: criteria provided, single submitter. Criteria: Invitae Variant Classification Sherloc (09022015). Collection method: clinical testing. Allele origin: germline.

Breakthrough Genomics
Classification: Benign. Review status: criteria provided, single submitter. Criteria: ACMG Guidelines, 2015. Collection method: not provided. Allele origin: germline. Inheritance: Autosomal dominant inheritance. Affected: yes.

NM_001145358.2(SIN3A):c.2004A>G (p.Ala668=)

Gene: SIN3A (SIN3 transcription regulator family member A; minus strand). Cytogenetic location: 15q24.2.
Variant type: single nucleotide variant.
Coding change: c.2004A>G on transcript NM_001145358.2 (MANE Select); coding-DNA position 2004, A replaced by G.
Protein change: p.Ala668=; no amino-acid change (alanine 668 retained).
Molecular consequence: synonymous variant.
Genome position (GRCh38, 1-based): chr15:75,396,347, T>C on the plus strand (A>G on the coding strand, the complement: SIN3A is on the minus strand). VCF-style: chr15-75396347-T-C. GRCh37 (hg19) VCF-style: chr15-75688688-T-C.
Other names: c.2004A>G, p.Ala668= (NM_001145357.2, NM_015477.3).
Identifiers: ClinVar variation 1600393 (VCV001600393.24), dbSNP rs61751126, ClinGen allele CA7667540.